The following is an entry in ClinVar:

ClinVar aggregate classification (germline): Uncertain significance (1 of 4 stars; one submission).

Conditions:
Familial adenomatous polyposis 1 (FAP1). Also called: FAMILIAL ADENOMATOUS POLYPOSIS 1, ATTENUATED; POLYPOSIS, ADENOMATOUS INTESTINAL. Identifiers: MedGen C2713442, MONDO:0021056, OMIM 175100. Disease mechanism: loss of function.

Allele frequency attached by ClinVar (database versions not stated): gnomAD exomes below 0.00001; TOPMed below 0.00001.
gnomAD v4.1: 1 of 475,182 alleles (0.00021%); highest among the groups gnomAD compares: Non-Finnish European, 0.00038%; no homozygotes.

Submission:

Labcorp Genetics (formerly Invitae), Labcorp
Classification: Uncertain significance for Familial adenomatous polyposis 1. Last evaluated: 2025-05-28. Review status: criteria provided, single submitter. Criteria: Invitae Variant Classification Sherloc (09022015). Collection method: clinical testing. Allele origin: germline.
Comment: This variant occurs in a non-coding region of the APC gene. It does not change the encoded amino acid sequence of the APC protein. This variant is not present in population databases (gnomAD no frequency). This variant has not been reported in the literature in individuals affected with APC-related conditions. Experimental studies and prediction algorithms are not available or were not evaluated, and the functional significance of this variant is currently unknown. In summary, the available evidence is currently insufficient to determine the role of this variant in disease. Therefore, it has been classified as a Variant of Uncertain Significance.

NM_001127511.3(APC):c.-197A>C

Genes: APC (APC regulator of Wnt signaling pathway; plus strand), LOC129994371 (ATAC-STARR-seq lymphoblastoid active region 22910; plus strand). Cytogenetic location: 5q22.2.
Variant type: single nucleotide variant.
Coding change: c.-197A>C on transcript NM_001127511.3; 197 bases upstream of the start codon, A replaced by C.
Molecular consequence: 5 prime UTR variant. On other transcripts: non-coding transcript variant (2).
Genome position (GRCh38, 1-based): chr5:112,707,521, A>C. VCF-style: chr5-112707521-A-C. GRCh37 (hg19) VCF-style: chr5-112043218-A-C.
Other names: c.-380A>C (NM_001354895.2, NM_001407447.1, NM_001407452.1 and 3 more transcripts); c.-197A>C (NM_001354897.2, NM_001354902.2, NM_001407446.1); c.-147A>C (NM_001407448.1, NM_001407450.1, NM_001407457.1 and 1 more transcripts); c.-171A>C (NM_001407453.1); c.-1415A>C (NM_001407470.1, NM_001407472.1).
Identifiers: ClinVar variation 1005849 (VCV001005849.8), dbSNP rs1750570165, ClinGen allele CA1573442390.